The following is an entry in ClinVar:

ClinVar aggregate classification (germline): Likely benign. Review status: criteria provided, multiple submitters, no conflicts (2 of 4 stars). 2 submissions from 2 submitters: Likely benign (2). Last evaluated 2026-02-01.

gnomAD v4.1: 2,420 of 1,614,136 alleles (0.15%); highest among the groups gnomAD compares: Middle Eastern, 0.71%; 5 homozygotes.

Submissions (2):

CeGaT Center for Human Genetics Tuebingen
Classification: Likely benign. Last evaluated: 2026-02-01. Review status: criteria provided, single submitter. Criteria: CeGaT Center For Human Genetics Tuebingen Variant Classification Criteria Version 2. Collection method: clinical testing. Allele origin: germline. Affected: yes. Observed: 2 variant alleles.
Comment: NUP214: BP4, BP7

Blueprint Genetics
Classification: Likely benign. Last evaluated: 2024-11-06. Review status: criteria provided, single submitter. Criteria: ACMG Guidelines, 2015. Collection method: clinical testing. Allele origin: germline.

NM_005085.4(NUP214):c.3942G>A (p.Pro1314=)

Gene: NUP214 (nucleoporin 214; plus strand). Cytogenetic location: 9q34.13.
Variant type: single nucleotide variant.
Coding change: c.3942G>A on transcript NM_005085.4 (MANE Select); coding-DNA position 3942, G replaced by A.
Protein change: p.Pro1314=; no amino-acid change (proline 1314 retained).
Molecular consequence: synonymous variant.
Genome position (GRCh38, 1-based): chr9:131,197,436, G>A. VCF-style: chr9-131197436-G-A. GRCh37 (hg19) VCF-style: chr9-134072823-G-A.
Other names: c.3912G>A, p.Pro1304= (NM_001318324.2); c.420G>A, p.Pro140= (NM_001318325.2).
Identifiers: ClinVar variation 3341596 (VCV003341596.17).
Genomic context (GRCh38, chr9:131,197,436, plus strand): 5'-ACCTGTGGCACCTTCTGGAACTGCTCTTTCCACCACCTCTAGTAAGCTGGAAACCCCACC[G>A]TCCAAGCTGGGAGAGCTTCTGTTTCCAAGTTCTTTGGCTGGAGAGACTCTGGGAAGTTTT-3'
Protein context (NP_005076.3, residues 1304-1324): STTSSKLETP[Pro1314=]SKLGELLFPS